The following is an entry in ClinVar:

ClinVar aggregate classification (germline): Uncertain significance (1 of 4 stars; one submission).

Submission:

Labcorp Genetics (formerly Invitae), Labcorp
Classification: Uncertain significance. Last evaluated: 2024-04-30. Review status: criteria provided, single submitter. Criteria: Invitae Variant Classification Sherloc (09022015). Collection method: clinical testing. Allele origin: germline.
Comment: This sequence change replaces alanine, which is neutral and non-polar, with aspartic acid, which is acidic and polar, at codon 389 of the ATP1A1 protein (p.Ala389Asp). This variant is not present in population databases (gnomAD no frequency). This variant has not been reported in the literature in individuals affected with ATP1A1-related conditions. Advanced modeling of protein sequence and biophysical properties (such as structural, functional, and spatial information, amino acid conservation, physicochemical variation, residue mobility, and thermodynamic stability) has been performed at Invitae for this missense variant, however the output from this modeling did not meet the statistical confidence thresholds required to predict the impact of this variant on ATP1A1 protein function. In summary, the available evidence is currently insufficient to determine the role of this variant in disease. Therefore, it has been classified as a Variant of Uncertain Significance.

NM_000701.8(ATP1A1):c.1166C>A (p.Ala389Asp)

Gene: ATP1A1 (ATPase Na+/K+ transporting subunit alpha 1; plus strand). Cytogenetic location: 1p13.1.
Variant type: single nucleotide variant.
Coding change: c.1166C>A on transcript NM_000701.8 (MANE Select); coding-DNA position 1166, C replaced by A.
Protein change: p.Ala389Asp; replaces alanine 389 with aspartic acid.
Molecular consequence: missense variant.
Genome position (GRCh38, 1-based): chr1:116,390,355, C>A. VCF-style: chr1-116390355-C-A. GRCh37 (hg19) VCF-style: chr1-116932977-C-A.
Other names: c.1166C>A, p.Ala389Asp (NM_001160233.2); c.1073C>A, p.Ala358Asp (NM_001160234.2); short protein forms A358D, A389D.
Identifiers: ClinVar variation 3651643 (VCV003651643.2).